The following is an entry in ClinVar:

NM_032043.3(BRIP1):c.293A>G (p.Asn98Ser)

Gene: BRIP1 (BRCA1 interacting DNA helicase 1; minus strand). Cytogenetic location: 17q23.2.
Variant type: single nucleotide variant.
Coding change: c.293A>G on transcript NM_032043.3 (MANE Select); coding-DNA position 293, A replaced by G.
Protein change: p.Asn98Ser; replaces asparagine 98 with serine.
Molecular consequence: missense variant.
Genome position (GRCh38, 1-based): chr17:61,857,144, T>C on the plus strand (A>G on the coding strand, the complement: BRIP1 is on the minus strand). VCF-style: chr17-61857144-T-C. GRCh37 (hg19) VCF-style: chr17-59934505-T-C.
Other names: short protein forms N98S.
Identifiers: ClinVar variation 219651 (VCV000219651.29), dbSNP rs781121675, ClinGen allele CA350472.

ClinVar aggregate classification (germline): Conflicting classifications of pathogenicity. Review status: criteria provided, conflicting classifications (1 of 4 stars). 7 submissions from 7 submitters: Uncertain significance (6); Likely benign (1). Last evaluated 2026-02-03.

Conditions:
Hereditary cancer-predisposing syndrome. Also called: Tumor predisposition; Hereditary neoplastic syndrome; Neoplastic Syndromes, Hereditary; Hereditary Cancer Syndrome. Identifiers: Orphanet 140162, MedGen C0027672, MeSH D009386, MONDO:0015356.
Fanconi anemia complementation group J. Also called: BRIP1-Related Fanconi Anemia. Identifiers: Orphanet 84, MedGen C1836860, MONDO:0012187, OMIM 609054.
Familial cancer of breast. Also called: hereditary breast carcinoma; Hereditary breast cancer; BREAST CANCER, FAMILIAL. Identifiers: Orphanet 227535, MedGen C0346153, MONDO:0016419, OMIM 114480. Disease mechanism: loss of function.

Allele frequency attached by ClinVar (database versions not stated): gnomAD 0.00001; TOPMed 0.00001; gnomAD exomes 0.00003 and 0.00004; ExAC 0.00004.
gnomAD v4.1: 59 of 1,614,046 alleles (0.0037%); highest among the groups gnomAD compares: Non-Finnish European, 0.0043%; no homozygotes.

Submissions (7):

Labcorp Genetics (formerly Invitae), Labcorp
Classification: Uncertain significance for Familial cancer of breast; Fanconi anemia complementation group J. Last evaluated: 2026-02-03. Review status: criteria provided, single submitter. Criteria: Invitae Variant Classification Sherloc (09022015). Collection method: clinical testing. Allele origin: germline.
Comment: This sequence change replaces asparagine, which is neutral and polar, with serine, which is neutral and polar, at codon 98 of the BRIP1 protein (p.Asn98Ser). This variant is present in population databases (rs781121675, gnomAD 0.01%). This variant has not been reported in the literature in individuals affected with BRIP1-related conditions. ClinVar contains an entry for this variant (Variation ID: 219651). Invitae Evidence Modeling of protein sequence and biophysical properties (such as structural, functional, and spatial information, amino acid conservation, physicochemical variation, residue mobility, and thermodynamic stability) indicates that this missense variant is not expected to disrupt BRIP1 protein function with a negative predictive value of 95%. RNA analysis performed to evaluate the impact of this missense change on mRNA splicing indicates it does not significantly alter splicing (internal data). In summary, the available evidence is currently insufficient to determine the role of this variant in disease. Therefore, it has been classified as a Variant of Uncertain Significance.

Color Diagnostics, LLC DBA Color Health
Classification: Uncertain significance for Hereditary cancer-predisposing syndrome. Last evaluated: 2025-03-17. Review status: criteria provided, single submitter. Criteria: ACMG Guidelines, 2015. Collection method: clinical testing. Allele origin: germline.
Comment: This missense variant replaces asparagine with serine at codon 98 of the BRIP1 protein. Computational prediction suggests that this variant may not impact protein structure and function. To our knowledge, functional studies have not been reported for this variant. This variant has been reported in individuals affected with breast cancer as well as in unaffected controls (PMID: 26921362, 33471991). This variant has been identified in 8/282856 chromosomes in the general population by the Genome Aggregation Database (gnomAD). The available evidence is insufficient to determine the role of this variant in disease conclusively. Therefore, this variant is classified as a Variant of Uncertain Significance.

GeneDx
Classification: Uncertain significance. Last evaluated: 2024-11-13. Review status: criteria provided, single submitter. Criteria: GeneDx Variant Classification Process June 2021. Collection method: clinical testing. Allele origin: germline. Affected: yes.
Comment: In silico analysis supports that this missense variant does not alter protein structure/function; This variant is associated with the following publications: (PMID: 26921362, 33471991)

Ambry Genetics
Classification: Likely benign for Hereditary cancer-predisposing syndrome. Last evaluated: 2024-11-11. Review status: criteria provided, single submitter. Criteria: Ambry Variant Classification Scheme 2023. Collection method: clinical testing. Allele origin: germline.

Quest Diagnostics Nichols Institute San Juan Capistrano
Classification: Uncertain significance. Last evaluated: 2024-08-13. Review status: criteria provided, single submitter. Criteria: Quest Diagnostics criteria. Collection method: clinical testing. Allele origin: unknown.
Comment: The BRIP1 c.293A>G (p.Asn98Ser) variant has been reported in individuals with breast cancer (PMID: 33471991 (2021), see also LOVD). This variant has also been identified in reportedly healthy individuals (PMID: 26921362 (2016), 33471991 (2021), see also LOVD). The frequency of this variant in the general population, 0.000039 (5/129176 chromosomes (Genome Aggregation Database)), is uninformative in the assessment of its pathogenicity. Analysis of this variant using bioinformatics tools for the prediction of the effect of amino acid changes on protein structure and function yielded predictions that this variant is benign. Based on the available information, we are unable to determine the clinical significance of this variant.

Women's Health and Genetics/Laboratory Corporation of America, LabCorp
Classification: Uncertain significance. Last evaluated: 2024-05-30. Review status: criteria provided, single submitter. Criteria: LabCorp Variant Classification Summary - May 2015. Collection method: clinical testing. Allele origin: germline.
Comment: Variant summary: BRIP1 c.293A>G (p.Asn98Ser) results in a conservative amino acid change located in the Helicase-like, DEXD box c2 type (IPR006554) of the encoded protein sequence. Five of five in-silico tools predict a benign effect of the variant on protein function. The variant allele was found at a frequency of 2.8e-05 in 251456 control chromosomes. The available data on variant occurrences in the general population are insufficient to allow any conclusion about variant significance. To our knowledge, no occurrence of c.293A>G in individuals affected with Breast Cancer and no experimental evidence demonstrating its impact on protein function have been reported. ClinVar contains an entry for this variant (Variation ID: 219651). Based on the evidence outlined above, the variant was classified as uncertain significance.

Sema4
Classification: Uncertain significance for Hereditary cancer-predisposing syndrome. Last evaluated: 2021-10-21. Review status: criteria provided, single submitter. Criteria: Sema4 Curation Guidelines. Collection method: curation. Allele origin: germline.
Comment: The BRIP1 c.293A>G (p.N98S) variant has been reported in case-control studies in both breast cancer cases (PMID: 33471991) and controls (PMID: 33471991, 26921362). It was observed in 8/282856 chromosomes in the large and broad cohorts of the Genome Aggregation Database (PMID: 32461654). The variant has been reported in ClinVar (Variation ID 219651). In silico tools suggest the impact of the variant on protein function is benign, though these predictions have not been confirmed by functional studies. The evidence is insufficient to meet ACMG/AMP criteria for classifying the variant as benign or pathogenic. Thus, the clinical significance of this variant is currently uncertain.

Literature cited by the submitters: PubMed 26921362 (cited by 3 submitters); PubMed 33471991 (cited by 3 submitters).